The following is an entry in ClinVar:

ClinVar aggregate classification (germline): Uncertain significance. Review status: criteria provided, multiple submitters, no conflicts (2 of 4 stars). 2 submissions from 2 submitters: Uncertain significance (2). Last evaluated 2025-04-11.

Submissions (2):

Ambry Genetics
Classification: Uncertain significance. Last evaluated: 2025-04-11. Review status: criteria provided, single submitter. Criteria: Ambry Variant Classification Scheme 2023. Collection method: clinical testing. Allele origin: germline.

Labcorp Genetics (formerly Invitae), Labcorp
Classification: Uncertain significance. Last evaluated: 2024-02-24. Review status: criteria provided, single submitter. Criteria: Invitae Variant Classification Sherloc (09022015). Collection method: clinical testing. Allele origin: germline.
Comment: This sequence change replaces tyrosine, which is neutral and polar, with serine, which is neutral and polar, at codon 327 of the IRF9 protein (p.Tyr327Ser). This variant is present in population databases (rs145127396, gnomAD 0.06%), and has an allele count higher than expected for a pathogenic variant. This variant has not been reported in the literature in individuals affected with IRF9-related conditions. Algorithms developed to predict the effect of missense changes on protein structure and function output the following: SIFT: "Not Available"; PolyPhen-2: "Benign"; Align-GVGD: "Not Available". The serine amino acid residue is found in multiple mammalian species, which suggests that this missense change does not adversely affect protein function. In summary, the available evidence is currently insufficient to determine the role of this variant in disease. Therefore, it has been classified as a Variant of Uncertain Significance.

NM_006084.5(IRF9):c.980A>C (p.Tyr327Ser)

Gene: IRF9 (interferon regulatory factor 9; plus strand). Cytogenetic location: 14q12.
Variant type: single nucleotide variant.
Coding change: c.980A>C on transcript NM_006084.5 (MANE Select); coding-DNA position 980, A replaced by C.
Protein change: p.Tyr327Ser; replaces tyrosine 327 with serine.
Molecular consequence: missense variant. On other transcripts: synonymous variant (1).
Genome position (GRCh38, 1-based): chr14:24,164,944, A>C. VCF-style: chr14-24164944-A-C. GRCh37 (hg19) VCF-style: chr14-24634153-A-C.
Other names: c.980A>C (NM_006084.4); c.1007A>C, p.Tyr336Ser (NM_001385400.1, NM_001385401.1); c.717A>C, p.Leu239= (NM_001385402.1); short protein forms Y336S, Y327S.
Identifiers: ClinVar variation 3670149 (VCV003670149.3).